The following is an entry in ClinVar:

ClinVar aggregate classification (germline): Uncertain significance (1 of 4 stars; one submission).

Conditions:
Autosomal dominant Parkinson disease 8. Also called: Parkinson disease 8, susceptibility to; LRRK2-Related Parkinson Disease; Parkinson disease 8. Identifiers: Orphanet 411602, MedGen C1846862, MONDO:0011764, OMIM 607060.

Allele frequency attached by ClinVar (database versions not stated): ExAC 0.00002; ESP Exome Variant Server 0.00008; gnomAD exomes 0.00002.
gnomAD v4.1: 9 of 1,614,156 alleles (0.00056%); highest among the groups gnomAD compares: Non-Finnish European, 0.00017%; no homozygotes.

Submission:

Labcorp Genetics (formerly Invitae), Labcorp
Classification: Uncertain significance for Autosomal dominant Parkinson disease 8. Last evaluated: 2025-12-19. Review status: criteria provided, single submitter. Criteria: Invitae Variant Classification Sherloc (09022015). Collection method: clinical testing. Allele origin: germline.
Comment: This sequence change replaces lysine, which is basic and polar, with asparagine, which is neutral and polar, at codon 709 of the LRRK2 protein (p.Lys709Asn). This variant is present in population databases (rs200697712, gnomAD 0.02%). This variant has not been reported in the literature in individuals affected with LRRK2-related conditions. ClinVar contains an entry for this variant (Variation ID: 2737871). Invitae Evidence Modeling of protein sequence and biophysical properties (such as structural, functional, and spatial information, amino acid conservation, physicochemical variation, residue mobility, and thermodynamic stability) has been performed for this missense variant. However, the output from this modeling did not meet the statistical confidence thresholds required to predict the impact of this variant on LRRK2 protein function. In summary, the available evidence is currently insufficient to determine the role of this variant in disease. Therefore, it has been classified as a Variant of Uncertain Significance.

NM_198578.4(LRRK2):c.2127A>C (p.Lys709Asn)

Gene: LRRK2 (leucine rich repeat kinase 2; plus strand). Cytogenetic location: 12q12.
Variant type: single nucleotide variant.
Coding change: c.2127A>C on transcript NM_198578.4 (MANE Select); coding-DNA position 2127, A replaced by C.
Protein change: p.Lys709Asn; replaces lysine 709 with asparagine.
Molecular consequence: missense variant.
Genome position (GRCh38, 1-based): chr12:40,278,147, A>C. VCF-style: chr12-40278147-A-C. GRCh37 (hg19) VCF-style: chr12-40671949-A-C.
Other names: short protein forms K709N.
Identifiers: ClinVar variation 2737871 (VCV002737871.3), dbSNP rs200697712, ClinGen allele CA6513563.